The following is an entry in ClinVar:

ClinVar aggregate classification (germline): Benign (1 of 4 stars; one submission).

Conditions:
Familial cancer of breast. Also called: Hereditary breast cancer; hereditary breast carcinoma; BREAST CANCER, FAMILIAL. Identifiers: Orphanet 227535, MedGen C0346153, MONDO:0016419, OMIM 114480. Disease mechanism: loss of function.

Submission:

Myriad Genetics, Inc.
Classification: Benign for Familial cancer of breast. Last evaluated: 2025-01-13. Review status: criteria provided, single submitter. Criteria: Myriad Autosomal Dominant, Autosomal Recessive and X-Linked Classification Criteria (2023). Collection method: clinical testing. Allele origin: unknown.
Comment: This variant is considered benign. This variant is a silent/synonymous amino acid change and it is not expected to impact splicing.

NM_024675.4(PALB2):c.996C>G (p.Leu332=)

Gene: PALB2 (partner and localizer of BRCA2; minus strand). Cytogenetic location: 16p12.2.
Variant type: single nucleotide variant.
Coding change: c.996C>G on transcript NM_024675.4 (MANE Select); coding-DNA position 996, C replaced by G.
Protein change: p.Leu332=; no amino-acid change (leucine 332 retained).
Molecular consequence: synonymous variant. On other transcripts: intron variant (3).
Genome position (GRCh38, 1-based): chr16:23,635,550, G>C on the plus strand (C>G on the coding strand, the complement: PALB2 is on the minus strand). VCF-style: chr16-23635550-G-C. GRCh37 (hg19) VCF-style: chr16-23646871-G-C.
Other names: c.936C>G, p.Leu312= (NM_001407296.1); c.996C>G, p.Leu332= (NM_001407297.1, NM_001407298.1, NM_001407299.1 and 3 more transcripts); c.111C>G, p.Leu37= (NM_001407304.1, NM_001407305.1, NM_001407306.1 and 5 more transcripts); c.48+5560C>G (NM_001407314.1); c.-104-5081C>G (NM_001407313.1, NM_001407312.1).
Identifiers: ClinVar variation 3904341 (VCV003904341.1).